The following is an entry in ClinVar:

ClinVar aggregate classification (germline): Uncertain significance (1 of 4 stars; one submission).

Conditions:
Usher syndrome type 3B. Also called: USHER SYNDROME, TYPE IIIB. Identifiers: MedGen C3281066, MONDO:0013788, OMIM 614504.

Submission:

Labcorp Genetics (formerly Invitae), Labcorp
Classification: Uncertain significance for Usher syndrome type 3B. Last evaluated: 2022-07-19. Review status: criteria provided, single submitter. Criteria: Invitae Variant Classification Sherloc (09022015). Collection method: clinical testing. Allele origin: germline.
Comment: In summary, the available evidence is currently insufficient to determine the role of this variant in disease. Therefore, it has been classified as a Variant of Uncertain Significance. Algorithms developed to predict the effect of missense changes on protein structure and function are either unavailable or do not agree on the potential impact of this missense change (SIFT: "Deleterious"; PolyPhen-2: "Possibly Damaging"; Align-GVGD: "Class C0"). ClinVar contains an entry for this variant (Variation ID: 838189). This variant has not been reported in the literature in individuals affected with HARS-related conditions. This variant is not present in population databases (gnomAD no frequency). This sequence change replaces isoleucine, which is neutral and non-polar, with asparagine, which is neutral and polar, at codon 384 of the HARS protein (p.Ile384Asn).

NM_002109.6(HARS1):c.1151T>A (p.Ile384Asn)

Gene: HARS1 (histidyl-tRNA synthetase 1; minus strand). Cytogenetic location: 5q31.3.
Variant type: single nucleotide variant.
Coding change: c.1151T>A on transcript NM_002109.6 (MANE Select); coding-DNA position 1151, T replaced by A.
Protein change: p.Ile384Asn; replaces isoleucine 384 with asparagine.
Molecular consequence: missense variant.
Genome position (GRCh38, 1-based): chr5:140,676,697, A>T on the plus strand (T>A on the coding strand, the complement: HARS1 is on the minus strand). VCF-style: chr5-140676697-A-T. GRCh37 (hg19) VCF-style: chr5-140056282-A-T.
Other names: c.1031T>A, p.Ile344Asn (NM_001258040.3); c.1091T>A, p.Ile364Asn (NM_001258041.3); c.971T>A, p.Ile324Asn (NM_001258042.3); c.929T>A, p.Ile310Asn (NM_001289092.2); c.809T>A, p.Ile270Asn (NM_001289093.2); c.1064T>A, p.Ile355Asn (NM_001289094.2); short protein forms I310N, I344N, I384N, I270N, I324N, I355N, I364N.
Identifiers: ClinVar variation 838189 (VCV000838189.11), dbSNP rs1758381320, ClinGen allele CA361250743.